The following is an entry in ClinVar:

ClinVar aggregate classification (germline): Pathogenic (1 of 4 stars; one submission).

Conditions:
Inborn genetic diseases. Identifiers: MedGen C0950123, MeSH D030342.

Submission:

Ambry Genetics
Classification: Pathogenic for Inborn genetic diseases. Last evaluated: 2024-09-13. Review status: criteria provided, single submitter. Criteria: Ambry Variant Classification Scheme 2023. Collection method: clinical testing. Allele origin: germline.
Comment: The c.2373T>A (p.Y791*) alteration, located in exon 11 (coding exon 10) of the KMT5B gene, consists of a T to A substitution at nucleotide position 2373. This changes the amino acid from a tyrosine (Y) to a stop codon at amino acid position 791. This alteration occurs at the 3' terminus of the KMT5B gene, is not expected to trigger nonsense-mediated mRNA decay, and only impacts the last 10% of the protein. However, premature stop codons are typically deleterious in nature, the impacted region is critical for protein function, and a significant portion of the protein is affected (Ambry internal data). This variant was not reported in population-based cohorts in the Genome Aggregation Database (gnomAD). Based on the available evidence, this alteration is classified as pathogenic.

NM_017635.5(KMT5B):c.2373T>A (p.Tyr791Ter)

Gene: KMT5B (lysine methyltransferase 5B; minus strand). Cytogenetic location: 11q13.2.
Variant type: single nucleotide variant.
Coding change: c.2373T>A on transcript NM_017635.5 (MANE Select); coding-DNA position 2373, T replaced by A.
Protein change: p.Tyr791Ter; replaces tyrosine 791 with a stop codon.
Molecular consequence: nonsense.
Genome position (GRCh38, 1-based): chr11:68,157,973, A>T on the plus strand (T>A on the coding strand, the complement: KMT5B is on the minus strand). VCF-style: chr11-68157973-A-T. GRCh37 (hg19) VCF-style: chr11-67925440-A-T.
Other names: c.1857T>A, p.Tyr619Ter (NM_001300907.1, NM_001369428.1, NM_001369429.1 and 4 more transcripts); c.1653T>A, p.Tyr551Ter (NM_001300908.2); c.2373T>A, p.Tyr791Ter (NM_001369426.1); short protein forms Y551*, Y619*, Y791*.
Identifiers: ClinVar variation 3535574 (VCV003535574.1).